The following is an entry in ClinVar:

ClinVar aggregate classification (germline): Conflicting classifications of pathogenicity. Review status: criteria provided, conflicting classifications (1 of 4 stars). 3 submissions from 3 submitters: Uncertain significance (2); Likely benign (1). Last evaluated 2026-01-27.

Conditions:
Renal carnitine transport defect (CDSP). Also called: Systemic primary carnitine deficiency disease; Carnitine Deficiency, Systemic; Carnitine transporter deficiency; Primary carnitine deficiency; CARNITINE TRANSPORTER, PLASMA-MEMBRANE, DEFICIENCY OF; CARNITINE UPTAKE DEFECT. Identifiers: Orphanet 158, MedGen C0342788, MONDO:0008919, OMIM 212140.

Allele frequency attached by ClinVar (database versions not stated): gnomAD exomes 0.00003 and 0.00005; ExAC 0.00007; gnomAD 0.00021 and 0.00022; TOPMed 0.00023; 1000 Genomes Project 30x 0.00031; ESP Exome Variant Server 0.00038; 1000 Genomes Project 0.00040.
gnomAD v4.1: 71 of 1,609,744 alleles (0.0044%); highest among the groups gnomAD compares: African/African-American, 0.089%; no homozygotes.

Submissions (3):

Labcorp Genetics (formerly Invitae), Labcorp
Classification: Uncertain significance for Renal carnitine transport defect. Last evaluated: 2026-01-27. Review status: criteria provided, single submitter. Criteria: Invitae Variant Classification Sherloc (09022015). Collection method: clinical testing. Allele origin: germline.
Comment: This sequence change falls in intron 6 of the SLC22A5 gene. It does not directly change the encoded amino acid sequence of the SLC22A5 protein. It affects a nucleotide within the consensus splice site. This variant is present in population databases (rs149201271, gnomAD 0.07%). This variant has not been reported in the literature in individuals affected with SLC22A5-related conditions. ClinVar contains an entry for this variant (Variation ID: 381975). Variants that disrupt the consensus splice site are a relatively common cause of aberrant splicing (PMID: 17576681, 9536098). Algorithms developed to predict the effect of sequence changes on RNA splicing suggest that this variant is not likely to affect RNA splicing. In summary, the available evidence is currently insufficient to determine the role of this variant in disease. Therefore, it has been classified as a Variant of Uncertain Significance.

Genome-Nilou Lab
Classification: Uncertain significance for Renal carnitine transport defect. Last evaluated: 2021-07-15. Review status: criteria provided, single submitter. Criteria: ACMG Guidelines, 2015. Collection method: clinical testing. Allele origin: germline. Affected: no.

GeneDx
Classification: Likely benign. Last evaluated: 2021-05-05. Review status: criteria provided, single submitter. Criteria: GeneDx Variant Classification Process June 2021. Collection method: clinical testing. Allele origin: germline. Affected: yes.

Literature cited by the submitters: PubMed 17576681 (cited by Labcorp Genetics (formerly Invitae), Labcorp); PubMed 9536098 (cited by Labcorp Genetics (formerly Invitae), Labcorp).

NM_003060.4(SLC22A5):c.1053-3C>T

Gene: SLC22A5 (solute carrier family 22 member 5; plus strand). Cytogenetic location: 5q31.1.
Variant type: single nucleotide variant.
Coding change: c.1053-3C>T on transcript NM_003060.4 (MANE Select); 3 bases into the intron before coding-DNA position 1053, C replaced by T.
Molecular consequence: intron variant.
Genome position (GRCh38, 1-based): chr5:132,390,687, C>T. VCF-style: chr5-132390687-C-T. GRCh37 (hg19) VCF-style: chr5-131726379-C-T.
Other names: c.1125-3C>T (NM_001308122.2).
Identifiers: ClinVar variation 381975 (VCV000381975.13), dbSNP rs149201271, ClinGen allele CA3404071.